The following is an entry in ClinVar:

ClinVar aggregate classification (germline): Benign/Likely benign. Review status: criteria provided, multiple submitters, no conflicts (2 of 4 stars). 9 submissions from 9 submitters: Benign (4); Likely benign (4). 1 of the submissions does not count toward it. Last evaluated 2026-07-15.

Conditions:
SMARCA4-related disorder. Also called: SMARCA4-related condition.
Hereditary cancer-predisposing syndrome. Also called: Hereditary Cancer Syndrome; Tumor predisposition; Hereditary neoplastic syndrome; Neoplastic Syndromes, Hereditary. Identifiers: Orphanet 140162, MedGen C0027672, MeSH D009386, MONDO:0015356.
Intellectual disability, autosomal dominant 16 (CSS4). Also called: COFFIN-SIRIS SYNDROME 4. Identifiers: Orphanet 1465, MedGen C3553249, MONDO:0013821, OMIM 614609.
Rhabdoid tumor predisposition syndrome 2 (RTPS2). Identifiers: Orphanet 231108, Orphanet 69077, MedGen C2750074, MONDO:0013224, OMIM 613325.

Allele frequency attached by ClinVar (database versions not stated): 1000 Genomes Project 0.00140; 1000 Genomes Project 30x 0.00141; gnomAD exomes 0.00015 and 0.00042; ExAC 0.00049; gnomAD 0.00158 and 0.00147; TOPMed 0.00165; ESP Exome Variant Server 0.00192.
gnomAD v4.1: 446 of 1,613,498 alleles (0.028%); highest among the groups gnomAD compares: African/African-American, 0.54%; 5 homozygotes.

Submissions (9):

Myriad Genetics, Inc.
Classification: Benign for Rhabdoid tumor predisposition syndrome 2. Last evaluated: 2026-07-15. Review status: criteria provided, single submitter. Criteria: Myriad Autosomal Dominant, Autosomal Recessive and X-Linked Classification Criteria (2023). Collection method: clinical testing. Allele origin: unknown.
Comment: This variant is considered benign. This variant is a silent/synonymous amino acid change and it is not expected to impact splicing.

Labcorp Genetics (formerly Invitae), Labcorp
Classification: Benign for Rhabdoid tumor predisposition syndrome 2. Last evaluated: 2026-02-03. Review status: criteria provided, single submitter. Criteria: Invitae Variant Classification Sherloc (09022015). Collection method: clinical testing. Allele origin: germline.

CeGaT Center for Human Genetics Tuebingen
Classification: Likely benign. Last evaluated: 2025-04-01. Review status: criteria provided, single submitter. Criteria: CeGaT Center For Human Genetics Tuebingen Variant Classification Criteria Version 2. Collection method: clinical testing. Allele origin: germline. Affected: yes. Observed: 2 variant alleles.
Comment: SMARCA4: BP4, BP7

Blueprint Genetics
Classification: Likely benign. Last evaluated: 2024-10-03. Review status: criteria provided, single submitter. Criteria: ACMG Guidelines, 2015. Collection method: clinical testing. Allele origin: germline.

Genome-Nilou Lab
Classification: Benign for Intellectual disability, autosomal dominant 16. Last evaluated: 2021-07-15. Review status: criteria provided, single submitter. Criteria: ACMG Guidelines, 2015. Collection method: clinical testing. Allele origin: germline. Affected: no.

Sema4
Classification: Benign for Hereditary cancer-predisposing syndrome. Last evaluated: 2021-03-26. Review status: criteria provided, single submitter. Criteria: Sema4 Curation Guidelines. Collection method: curation. Allele origin: germline.

GeneDx
Classification: Likely benign. Last evaluated: 2017-06-15. Review status: criteria provided, single submitter. Criteria: GeneDx Variant Classification (06012015). Collection method: clinical testing. Allele origin: germline. Affected: yes.
Comment: This variant is considered likely benign or benign based on one or more of the following criteria: it is a conservative change, it occurs at a poorly conserved position in the protein, it is predicted to be benign by multiple in silico algorithms, and/or has population frequency not consistent with disease.

Ambry Genetics
Classification: Likely benign for Hereditary cancer-predisposing syndrome. Last evaluated: 2015-05-26. Review status: criteria provided, single submitter. Criteria: Ambry Variant Classification Scheme 2023. Collection method: clinical testing. Allele origin: germline.

PreventionGenetics, part of Exact Sciences
Classification: Benign for SMARCA4-related condition. Last evaluated: 2020-02-21. Review status: no assertion criteria provided. Collection method: clinical testing. Allele origin: germline. Not counted in ClinVar's aggregate classification.
Comment: This variant is classified as benign based on ACMG/AMP sequence variant interpretation guidelines (Richards et al. 2015 PMID: 25741868, with internal and published modifications).

NM_003072.5(SMARCA4):c.3663G>A (p.Lys1221=)

Gene: SMARCA4 (SWI/SNF related BAF chromatin remodeling complex subunit ATPase 4; plus strand). Cytogenetic location: 19p13.2.
Variant type: single nucleotide variant.
Coding change: c.3663G>A on transcript NM_003072.5 (MANE Select); coding-DNA position 3663, G replaced by A.
Protein change: p.Lys1221=; no amino-acid change (lysine 1221 retained).
Molecular consequence: synonymous variant. On other transcripts: non-coding transcript variant (1).
Genome position (GRCh38, 1-based): chr19:11,033,406, G>A. VCF-style: chr19-11033406-G-A. GRCh37 (hg19) VCF-style: chr19-11144082-G-A.
Other names: c.3663G>A, p.Lys1221= (NM_001128844.3, NM_001128845.2, NM_001128846.2 and 5 more transcripts).
Identifiers: ClinVar variation 238432 (VCV000238432.46), dbSNP rs61761957, ClinGen allele CA9204483.
Genomic context (GRCh38, chr19:11,033,406, plus strand): 5'-GCTCCGCCTCTGCACCGTCAACAGCGTGGAGGAGAAGATCCTAGCTGCAGCCAAGTACAA[G>A]CTCAACGTGGACCAGAAGGTGATCCAGGCCGGCATGTTCGACCAGAAGTCCTCCAGCCAT-3'
Protein context (NP_003063.2, residues 1211-1231): EEKILAAAKY[Lys1221=]LNVDQKVIQA